The following is an entry in ClinVar:

ClinVar aggregate classification (germline): Benign/Likely benign. Review status: criteria provided, multiple submitters, no conflicts (2 of 4 stars). 10 submissions from 10 submitters: Benign (6); Likely benign (1). 3 of the submissions do not count toward it. Last evaluated 2026-02-04.

Conditions:
LRP2-related disorder. Also called: LRP2-related condition.
Donnai-Barrow syndrome. Also called: DBS/FOAR SYNDROME; FACIOOCULOACOUSTICORENAL SYNDROME. Identifiers: Orphanet 2143, MedGen C1857277, MONDO:0009104, OMIM 222448.

Allele frequency attached by ClinVar (database versions not stated): 1000 Genomes Project 30x 0.00125; 1000 Genomes Project 0.00160; TOPMed 0.00179; ESP Exome Variant Server 0.00223; gnomAD exomes 0.00296 and 0.00372; gnomAD 0.00300 and 0.00322; ExAC 0.00371.
gnomAD v4.1: 4,722 of 1,614,170 alleles (0.29%); highest among the groups gnomAD compares: Non-Finnish European, 0.28%; 28 homozygotes.

Submissions (10):

Labcorp Genetics (formerly Invitae), Labcorp
Classification: Benign. Last evaluated: 2026-02-04. Review status: criteria provided, single submitter. Criteria: Invitae Variant Classification Sherloc (09022015). Collection method: clinical testing. Allele origin: germline.

CeGaT Center for Human Genetics Tuebingen
Classification: Benign. Last evaluated: 2025-05-01. Review status: criteria provided, single submitter. Criteria: CeGaT Center For Human Genetics Tuebingen Variant Classification Criteria Version 2. Collection method: clinical testing. Allele origin: germline. Affected: yes. Observed: 8 variant alleles.
Comment: LRP2: BS1, BS2

Laboratory of Genetics, Children's Clinical University Hospital Latvia
Classification: Likely benign. Last evaluated: 2025-02-16. Review status: criteria provided, single submitter. Criteria: ACMG Guidelines, 2015. Collection method: clinical testing. Allele origin: germline. Affected: yes.

Blueprint Genetics
Classification: Benign. Last evaluated: 2024-11-25. Review status: criteria provided, single submitter. Criteria: ACMG Guidelines, 2015. Collection method: clinical testing. Allele origin: germline.

Women's Health and Genetics/Laboratory Corporation of America, LabCorp
Classification: Benign. Last evaluated: 2022-06-30. Review status: criteria provided, single submitter. Criteria: LabCorp Variant Classification Summary - May 2015. Collection method: clinical testing. Allele origin: germline.
Comment: Variant summary: LRP2 c.2933C>T (p.Thr978Met) results in a non-conservative amino acid change located in the EGF-like domain (IPR000742) of the encoded protein sequence. Five of five in-silico tools predict a damaging effect of the variant on protein function. The variant allele was found at a frequency of 0.0037 in 250792 control chromosomes in the gnomAD database, including 8 homozygotes. The observed variant frequency is approximately 3 fold of the estimated maximal expected allele frequency for a pathogenic variant in LRP2 causing Donnai Barrow Syndrome phenotype (0.0011), strongly suggesting that the variant is benign. To our knowledge, no occurrence of c.2933C>T in individuals affected with Donnai Barrow Syndrome and no experimental evidence demonstrating its impact on protein function have been reported. Three ClinVar submitters (evaluation after 2014) cite the variant as benign. Based on the evidence outlined above, the variant was classified as benign.

Genome-Nilou Lab
Classification: Benign for Donnai-Barrow syndrome. Last evaluated: 2021-07-15. Review status: criteria provided, single submitter. Criteria: ACMG Guidelines, 2015. Collection method: clinical testing. Allele origin: germline. Affected: no.

Illumina Laboratory Services, Illumina
Classification: Benign for Donnai-Barrow syndrome. Last evaluated: 2017-04-27. Review status: criteria provided, single submitter. Criteria: ICSL Variant Classification Criteria 13 December 2019. Collection method: clinical testing. Allele origin: germline.
Comment: This variant was observed as part of a predisposition screen in an ostensibly healthy population. A literature search was performed for the gene, cDNA change, and amino acid change (where applicable). No publications were found based on this search. Allele frequency data from public databases was too high to be consistent with this variant causing disease. Therefore, this variant is classified as benign.

PreventionGenetics, part of Exact Sciences
Classification: Benign for LRP2-related condition. Last evaluated: 2019-05-13. Review status: no assertion criteria provided. Collection method: clinical testing. Allele origin: germline. Not counted in ClinVar's aggregate classification.
Comment: This variant is classified as benign based on ACMG/AMP sequence variant interpretation guidelines (Richards et al. 2015 PMID: 25741868, with internal and published modifications).

Diagnostic Laboratory, Department of Genetics, University Medical Center Groningen
Classification: Benign. Review status: no assertion criteria provided. Collection method: clinical testing. Allele origin: germline. Affected: yes. Study: VKGL Data-share Consensus. Not counted in ClinVar's aggregate classification.

Genome Diagnostics Laboratory, University Medical Center Utrecht
Classification: Likely benign. Review status: no assertion criteria provided. Collection method: clinical testing. Allele origin: germline. Affected: yes. Study: VKGL Data-share Consensus. Not counted in ClinVar's aggregate classification.

NM_004525.3(LRP2):c.2933C>T (p.Thr978Met)

Gene: LRP2 (LDL receptor related protein 2; minus strand). Cytogenetic location: 2q31.1.
Variant type: single nucleotide variant.
Coding change: c.2933C>T on transcript NM_004525.3 (MANE Select); coding-DNA position 2933, C replaced by T.
Protein change: p.Thr978Met; replaces threonine 978 with methionine.
Molecular consequence: missense variant.
Genome position (GRCh38, 1-based): chr2:169,246,962, G>A on the plus strand (C>T on the coding strand, the complement: LRP2 is on the minus strand). VCF-style: chr2-169246962-G-A. GRCh37 (hg19) VCF-style: chr2-170103472-G-A.
Other names: short protein forms T978M.
Identifiers: ClinVar variation 713565 (VCV000713565.45), dbSNP rs114842875, ClinGen allele CA1955155.